The following is an entry in ClinVar:

NM_000051.4(ATM):c.6096-1G>C

Genes: ATM (ATM serine/threonine kinase; plus strand), C11orf65 (chromosome 11 open reading frame 65; minus strand). Cytogenetic location: 11q22.3.
Variant type: single nucleotide variant.
Coding change: c.6096-1G>C on transcript NM_000051.4 (MANE Select); the canonical splice acceptor site of the intron before coding-DNA position 6096, G replaced by C.
Molecular consequence: splice acceptor variant. On other transcripts: intron variant (2).
Genome position (GRCh38, 1-based): chr11:108,316,010, G>C. VCF-style: chr11-108316010-G-C. GRCh37 (hg19) VCF-style: chr11-108186737-G-C.
Other names: c.6096-1G>C (NM_001351834.2); c.641-6939C>G (NM_001330368.2); c.*39-6939C>G (NM_001351110.2).
Identifiers: ClinVar variation 653906 (VCV000653906.10), dbSNP rs1591778339, ClinGen allele CA382550284.

ClinVar aggregate classification (germline): Likely pathogenic. Review status: criteria provided, multiple submitters, no conflicts (2 of 4 stars). 2 submissions from 2 submitters: Likely pathogenic (2). Last evaluated 2025-05-01.

Conditions:
Hereditary cancer-predisposing syndrome. Also called: Tumor predisposition; Hereditary neoplastic syndrome; Neoplastic Syndromes, Hereditary; Hereditary Cancer Syndrome. Identifiers: Orphanet 140162, MedGen C0027672, MeSH D009386, MONDO:0015356.
Ataxia-telangiectasia syndrome (AT). Also called: Ataxia-telangiectasia, complementation group D; AT, COMPLEMENTATION GROUP C; ATAXIA-TELANGIECTASIA, COMPLEMENTATION GROUP A; ATAXIA-TELANGIECTASIA, FRESNO VARIANT; Ataxia-telangiectasia; LOUIS-BAR SYNDROME. Identifiers: Orphanet 100, MedGen C0004135, MONDO:0008840, OMIM 208900.

Allele frequency attached by ClinVar (database versions not stated): gnomAD exomes below 0.00001.
gnomAD v4.1: 1 of 1,613,948 alleles (0.000062%); highest among the groups gnomAD compares: Admixed American, 0.0017%; no homozygotes.

Submissions (2):

Ambry Genetics
Classification: Likely pathogenic for Hereditary cancer-predisposing syndrome. Last evaluated: 2025-05-01. Review status: criteria provided, single submitter. Criteria: Ambry Variant Classification Scheme 2023. Collection method: clinical testing. Allele origin: germline.
Comment: The c.6096-1G>C intronic variant results from a G to C substitution one nucleotide upstream from coding exon 41 of the ATM gene. This nucleotide position is highly conserved in available vertebrate species. In silico splice site analysis predicts that this alteration will weaken the native splice acceptor site. RNA studies have demonstrated that this alteration results in abnormal splicing in the set of samples tested (Ambry internal data). Alterations that disrupt the canonical splice site are expected to cause aberrant splicing, resulting in an abnormal protein or a transcript that is subject to nonsense-mediated mRNA decay. As such, this alteration is classified as likely pathogenic.

Labcorp Genetics (formerly Invitae), Labcorp
Classification: Likely pathogenic for Ataxia-telangiectasia syndrome. Last evaluated: 2021-07-08. Review status: criteria provided, single submitter. Criteria: Invitae Variant Classification Sherloc (09022015). Collection method: clinical testing. Allele origin: germline.
Comment: In summary, the currently available evidence indicates that the variant is pathogenic, but additional data are needed to prove that conclusively. Therefore, this variant has been classified as Likely Pathogenic. Donor and acceptor splice site variants typically lead to a loss of protein function (PMID: 16199547), and loss-of-function variants in ATM are known to be pathogenic (PMID: 23807571, 25614872). This variant has not been reported in the literature in individuals with ATM-related conditions. This variant is not present in population databases (ExAC no frequency). This sequence change affects an acceptor splice site in intron 41 of the ATM gene. It is expected to disrupt RNA splicing and likely results in an absent or disrupted protein product.

Literature cited by the submitters: PubMed 16199547 (cited by Labcorp Genetics (formerly Invitae), Labcorp); PubMed 23807571 (cited by Labcorp Genetics (formerly Invitae), Labcorp); PubMed 25614872 (cited by Labcorp Genetics (formerly Invitae), Labcorp).